The following is an entry in ClinVar:

ClinVar aggregate classification (germline): Benign/Likely benign. Review status: criteria provided, multiple submitters, no conflicts (2 of 4 stars). 8 submissions from 8 submitters: Benign (4); Likely benign (2). 2 of the submissions do not count toward it. Last evaluated 2026-02-04.

Conditions:
Meckel-Gruber syndrome. Also called: Dysencephalia splachnocystica; DYSENCEPHALIA SPLANCHNOCYSTICA; GRUBER SYNDROME. Identifiers: Orphanet 564, MedGen C0265215, MONDO:0018921.
Joubert syndrome. Also called: JOUBERT-BOLTSHAUSER SYNDROME; Familial aplasia of the vermis. Identifiers: Orphanet 475, MedGen C5979921, MONDO:0018772.
Nephronophthisis. Also called: Juvenile Nephronophthisis. Identifiers: Orphanet 655, MedGen C0687120, MONDO:0019005, HP:0000090.

Submissions (8):

Labcorp Genetics (formerly Invitae), Labcorp
Classification: Benign for Joubert syndrome; Meckel-Gruber syndrome; Nephronophthisis. Last evaluated: 2026-02-04. Review status: criteria provided, single submitter. Criteria: Invitae Variant Classification Sherloc (09022015). Collection method: clinical testing. Allele origin: germline.

Blueprint Genetics
Classification: Likely benign. Last evaluated: 2024-11-23. Review status: criteria provided, single submitter. Criteria: ACMG Guidelines, 2015. Collection method: clinical testing. Allele origin: germline.

ARUP Laboratories, Molecular Genetics and Genomics, ARUP Laboratories
Classification: Benign. Last evaluated: 2023-08-28. Review status: criteria provided, single submitter. Criteria: ARUP Molecular Germline Variant Investigation Process 2024. Collection method: clinical testing. Allele origin: germline.

Center for Pediatric Genomic Medicine, Children's Mercy Hospital and Clinics
Classification: Likely benign. Last evaluated: 2015-04-20. Review status: criteria provided, single submitter. Criteria: ACMG Guidelines, 2015. Collection method: clinical testing. Allele origin: germline.
ClinVar note: Converted during submission from Likely Benign to Likely benign.

GeneDx
Classification: Benign. Last evaluated: 2015-03-03. Review status: criteria provided, single submitter. Criteria: GeneDx Variant Classification Process June 2021. Collection method: clinical testing. Allele origin: germline. Affected: yes.

PreventionGenetics, part of Exact Sciences
Classification: Benign. Review status: criteria provided, single submitter. Criteria: ACMG Guidelines, 2015. Collection method: clinical testing. Allele origin: germline.

Clinical Genetics, Academic Medical Center
Classification: Benign. Review status: no assertion criteria provided. Collection method: clinical testing. Allele origin: germline. Affected: yes. Study: VKGL Data-share Consensus. Not counted in ClinVar's aggregate classification.

Genome Diagnostics Laboratory, University Medical Center Utrecht
Classification: Benign. Review status: no assertion criteria provided. Collection method: clinical testing. Allele origin: germline. Affected: yes. Study: VKGL Data-share Consensus. Not counted in ClinVar's aggregate classification.

NM_025114.4(CEP290):c.1825-17CT[2]

Gene: CEP290 (centrosomal protein 290; minus strand). Cytogenetic location: 12q21.32.
Variant type: Microsatellite.
Coding change: c.1825-17CT[2] on transcript NM_025114.4 (MANE Select); two copies in a row of the 2-base unit CT starting at c.1825-17; the reference has three copies in a row; one copy, 2 bases deleted.
Molecular consequence: intron variant.
Genome position (GRCh38, 1-based): chr12:88,115,194-88,115,195, AG deleted on the plus strand (CT on the coding strand, the reverse complement: CEP290 is on the minus strand); deleting any 2 consecutive bases within chr12:88,115,194-88,115,200 gives the same sequence; the position shown is the placement nearest the transcript's 3' end. VCF-style (leftmost placement, unchanged base first): chr12-88115193-CAG-C. GRCh37 (hg19) VCF-style: chr12-88508970-CAG-C.
Other names: c.1825-13_1825-12delCT (NM_025114.3).
Identifiers: ClinVar variation 235609 (VCV000235609.26), dbSNP rs367600498, ClinGen allele CA6712447.
Genomic context (GRCh38, chr12:88,115,193, plus strand): 5'-CTTTCTAAATCTCTTTCTTTTTCAATTAGTTCTCTTGAAAGAAATTCATTCTGAAAAAAG[CAG>C]AGAGAATAAAATTGATTTTTTTCAACAAAATATCACAAGTCTATAATTTTCAAGTTAAGA-3'